The following is an entry in ClinVar:

ClinVar aggregate classification (germline): Pathogenic (1 of 4 stars; one submission).

Conditions:
Kostmann syndrome (SCN3). Also called: Autosomal recessive severe congenital neutropenia type 3; KOSTMANN DISEASE. Identifiers: Orphanet 99749, MedGen C5235141, MONDO:0012548, OMIM 610738.

Allele frequency attached by ClinVar (database versions not stated): gnomAD exomes below 0.00001 and 0.00001; TOPMed 0.00001.
gnomAD v4.1: 16 of 1,614,160 alleles (0.00099%); highest among the groups gnomAD compares: South Asian, 0.0011%; no homozygotes.

Submission:

Labcorp Genetics (formerly Invitae), Labcorp
Classification: Pathogenic for Kostmann syndrome. Last evaluated: 2024-03-09. Review status: criteria provided, single submitter. Criteria: Invitae Variant Classification Sherloc (09022015). Collection method: clinical testing. Allele origin: germline.
Comment: This sequence change creates a premature translational stop signal (p.Glu117*) in the HAX1 gene. It is expected to result in an absent or disrupted protein product. Loss-of-function variants in HAX1 are known to be pathogenic (PMID: 17187068). This variant is present in population databases (no rsID available, gnomAD 0.003%). This variant has not been reported in the literature in individuals affected with HAX1-related conditions. ClinVar contains an entry for this variant (Variation ID: 1072845). Algorithms developed to predict the effect of sequence changes on RNA splicing suggest that this variant may disrupt the consensus splice site. For these reasons, this variant has been classified as Pathogenic.

Literature cited by the submitters: PubMed 17187068.

NM_006118.4(HAX1):c.349G>T (p.Glu117Ter)

Gene: HAX1 (HCLS1 associated protein X-1; plus strand). Cytogenetic location: 1q21.3.
Variant type: single nucleotide variant.
Coding change: c.349G>T on transcript NM_006118.4 (MANE Select); coding-DNA position 349, G replaced by T.
Protein change: p.Glu117Ter; replaces glutamic acid 117 with a stop codon.
Molecular consequence: nonsense.
Genome position (GRCh38, 1-based): chr1:154,273,806, G>T. VCF-style: chr1-154273806-G-T. GRCh37 (hg19) VCF-style: chr1-154246282-G-T.
Other names: c.205G>T, p.Glu69Ter (NM_001018837.2); short protein forms E117*, E69*.
Identifiers: ClinVar variation 1072845 (VCV001072845.7), dbSNP rs1487742962, ClinGen allele CA342592385.